The following is an entry in ClinVar:

ClinVar aggregate classification (germline): Conflicting classifications of pathogenicity. Review status: criteria provided, conflicting classifications (1 of 4 stars). 3 submissions from 3 submitters: Likely pathogenic (1); Uncertain significance (2). Last evaluated 2026-05-18.

Conditions:
Autosomal dominant nonsyndromic hearing loss 9. Identifiers: Orphanet 90635, MedGen C1832425, MONDO:0011058, OMIM 601369.
COCH-related disorder. Also called: COCH-related condition.
Hearing loss, autosomal recessive 110. Also called: DEAFNESS, AUTOSOMAL RECESSIVE 110. Identifiers: MedGen C4748162, MONDO:0054860, OMIM 618094.

Allele frequency attached by ClinVar (database versions not stated): TOPMed 0.00004; gnomAD exomes 0.00005 and 0.00009; gnomAD 0.00006; ExAC 0.00009.
gnomAD v4.1: 86 of 1,614,068 alleles (0.0053%); highest among the groups gnomAD compares: Middle Eastern, 0.016%; no homozygotes.

Submissions (3):

PreventionGenetics, part of Exact Sciences
Classification: Uncertain significance for COCH-related condition. Last evaluated: 2026-05-18. Review status: criteria provided, single submitter. Criteria: ACMG Guidelines, 2015. Collection method: clinical testing. Allele origin: germline.
Comment: The COCH c.1150C>T variant is predicted to result in the amino acid substitution p.Arg384Cys. To our knowledge, this variant has not been reported in the literature. This variant is reported in 0.017% of alleles in individuals of Latino descent in gnomAD. At this time, the clinical significance of this variant is uncertain due to the absence of conclusive functional and genetic evidence.

3billion
Classification: Uncertain significance for Hearing loss, autosomal recessive 110. Last evaluated: 2023-08-28. Review status: criteria provided, single submitter. Criteria: ACMG Guidelines, 2015. Collection method: clinical testing. Allele origin: germline. Affected: yes.
Comment: The variant is observed at an extremely low frequency in the gnomAD v2.1.1 dataset (total allele frequency: 0.009%). Predicted Consequence/Location: Missense changes are a common disease-causing mechanism. In silico tool predictions suggest damaging effect of the variant on gene or gene product [REVEL: 0.70 (>=0.6, sensitivity 0.68 and specificity 0.92)]. Same nucleotide change resulting in same amino acid change has been previously reported to be associated with COCH related disorder (ClinVar ID: VCV000523013 /PMID: 31589614). However, the evidence of pathogenicity is insufficient at this time. Therefore, this variant is classified as VUS according to the recommendation of ACMG/AMP guideline.

Genomic Research Center, Shahid Beheshti University of Medical Sciences
Classification: Likely pathogenic for Autosomal dominant nonsyndromic hearing loss 9. Last evaluated: 2017-12-18. Review status: criteria provided, single submitter. Criteria: ACMG Guidelines, 2015. Collection method: clinical testing. Allele origin: inherited. Affected: yes.

Literature cited by the submitters: PubMed 31589614 (cited by 3billion).

NM_004086.3(COCH):c.1150C>T (p.Arg384Cys)

Genes: COCH (cochlin; plus strand), COCH-AS1 (COCH antisense RNA 1; minus strand). Cytogenetic location: 14q12.
Variant type: single nucleotide variant.
Coding change: c.1150C>T on transcript NM_004086.3 (MANE Select); coding-DNA position 1150, C replaced by T.
Protein change: p.Arg384Cys; replaces arginine 384 with cysteine.
Molecular consequence: missense variant. On other transcripts: non-coding transcript variant (1).
Genome position (GRCh38, 1-based): chr14:30,885,985, C>T. VCF-style: chr14-30885985-C-T. GRCh37 (hg19) VCF-style: chr14-31355191-C-T.
Other names: c.1150C>T (NM_001135058.1); c.1150C>T, p.Arg384Cys (NM_001135058.2); c.1345C>T, p.Arg449Cys (NM_001347720.2); short protein forms R384C, R449C.
Identifiers: ClinVar variation 523013 (VCV000523013.6), dbSNP rs756541797, ClinGen allele CA7143275.